The following is an entry in ClinVar:

ClinVar aggregate classification (germline): Pathogenic (3 of 4 stars; one submission).

Conditions:
Lynch syndrome. Identifiers: Orphanet 144, MedGen C4552100, MONDO:0005835. Disease mechanism: loss of function.

Submission:

International Society for Gastrointestinal Hereditary Tumours (InSiGHT)
Classification: Pathogenic for Lynch Syndrome. Last evaluated: 2013-09-05. Review status: reviewed by expert panel. Criteria: Guidelines v1.9. Collection method: research. Allele origin: germline.
Comment: Coding sequence variation resulting in a stop codon

Classified with v1.9 guidelines

NM_000179.3(MSH6):c.3320del (p.Asp1107fs)

Gene: MSH6 (mutS homolog 6; plus strand). Cytogenetic location: 2p16.3.
Variant type: Deletion.
Coding change: c.3320del on transcript NM_000179.3 (MANE Select); coding-DNA position 3320, one base deleted (A; older notation c.3320delA).
Protein change: p.Asp1107fs; shifts the reading frame from aspartic acid 1107.
Molecular consequence: frameshift variant.
Genome position (GRCh38, 1-based): chr2:47,803,567, A deleted. VCF-style (leftmost placement, unchanged base first): chr2-47803566-GA-G. GRCh37 (hg19) VCF-style: chr2-48030705-GA-G.
Other names: c.2930del, p.Asp977fs (NM_001281492.2); c.2414del, p.Asp805fs (NM_001281493.2, NM_001281494.2); short protein forms D977fs, D805fs.
Identifiers: ClinVar variation 89372 (VCV000089372.2), dbSNP rs63750377, ClinGen allele CA012574.